The following is an entry in ClinVar:

ClinVar aggregate classification (germline): Uncertain significance (1 of 4 stars; one submission).

Conditions:
Congenital myasthenic syndrome 15. Also called: Myasthenic syndrome, congenital, 15, without tubular aggregates. Identifiers: Orphanet 353327, Orphanet 590, MedGen C4015596, MONDO:0014542, OMIM 616227.

Allele frequency attached by ClinVar (database versions not stated): gnomAD exomes below 0.00001.
gnomAD v4.1: 3 of 1,613,902 alleles (0.00019%); highest among the groups gnomAD compares: Non-Finnish European, 0.00025%; no homozygotes.

Submission:

Labcorp Genetics (formerly Invitae), Labcorp
Classification: Uncertain significance for Congenital myasthenic syndrome 15. Last evaluated: 2022-04-09. Review status: criteria provided, single submitter. Criteria: Invitae Variant Classification Sherloc (09022015). Collection method: clinical testing. Allele origin: germline.
Comment: In summary, the available evidence is currently insufficient to determine the role of this variant in disease. Therefore, it has been classified as a Variant of Uncertain Significance. Variants that disrupt the consensus splice site are a relatively common cause of aberrant splicing (PMID: 17576681, 9536098). Algorithms developed to predict the effect of sequence changes on RNA splicing suggest that this variant may disrupt the consensus splice site. This variant has not been reported in the literature in individuals affected with ALG14-related conditions. This variant is not present in population databases (gnomAD no frequency). This sequence change falls in intron 3 of the ALG14 gene. It does not directly change the encoded amino acid sequence of the ALG14 protein. It affects a nucleotide within the consensus splice site.

Literature cited by the submitters: PubMed 17576681; PubMed 9536098.

NM_144988.4(ALG14):c.420+1G>A

Gene: ALG14 (ALG14 UDP-N-acetylglucosaminyltransferase subunit; minus strand). Cytogenetic location: 1p21.3.
Variant type: single nucleotide variant.
Coding change: c.420+1G>A on transcript NM_144988.4 (MANE Select); the canonical splice donor site of the intron after coding-DNA position 420, G replaced by A.
Molecular consequence: splice donor variant.
Genome position (GRCh38, 1-based): chr1:95,027,128, C>T on the plus strand (G>A on the coding strand, the complement: ALG14 is on the minus strand). VCF-style: chr1-95027128-C-T. GRCh37 (hg19) VCF-style: chr1-95492684-C-T.
Other names: c.457+1G>A (NM_001305242.2).
Identifiers: ClinVar variation 1977799 (VCV001977799.5), dbSNP rs2525686758, ClinGen allele CA341365488.